The following is an entry in ClinVar:

NM_001142800.2(EYS):c.8476G>T (p.Val2826Leu)

Genes: EYS (eyes shut homolog; minus strand), PHF3 (PHD finger protein 3; plus strand). Cytogenetic location: 6q12.
Variant type: single nucleotide variant.
Coding change: c.8476G>T on transcript NM_001142800.2 (MANE Select); coding-DNA position 8476, G replaced by T.
Protein change: p.Val2826Leu; replaces valine 2826 with leucine.
Molecular consequence: missense variant. On other transcripts: 3 prime UTR variant (5).
Genome position (GRCh38, 1-based): chr6:63,721,555, C>A on the plus strand (G>T on the coding strand, the complement: EYS is on the minus strand). VCF-style: chr6-63721555-C-A. GRCh37 (hg19) VCF-style: chr6-64431451-C-A.
Other names: c.*7847C>A (NM_001290259.2, NM_001370348.2, NM_001370349.2 and 2 more transcripts); c.8539G>T, p.Val2847Leu (NM_001292009.2); short protein forms V2847L, V2826L.
Identifiers: ClinVar variation 835999 (VCV000835999.7), dbSNP rs892093060, ClinGen allele CA140236852.

ClinVar aggregate classification (germline): Uncertain significance (1 of 4 stars; one submission).

Allele frequency attached by ClinVar (database versions not stated): TOPMed 0.00001.
gnomAD v4.1: 2 of 1,551,812 alleles (0.00013%); highest among the groups gnomAD compares: Admixed American, 0.002%; no homozygotes.

Submission:

Labcorp Genetics (formerly Invitae), Labcorp
Classification: Uncertain significance. Last evaluated: 2022-08-08. Review status: criteria provided, single submitter. Criteria: Invitae Variant Classification Sherloc (09022015). Collection method: clinical testing. Allele origin: germline.
Comment: This sequence change replaces valine, which is neutral and non-polar, with leucine, which is neutral and non-polar, at codon 2826 of the EYS protein (p.Val2826Leu). This variant is not present in population databases (gnomAD no frequency). This variant has not been reported in the literature in individuals affected with EYS-related conditions. ClinVar contains an entry for this variant (Variation ID: 835999). Algorithms developed to predict the effect of missense changes on protein structure and function output the following: SIFT: "Deleterious"; PolyPhen-2: "Possibly Damaging"; Align-GVGD: "Class C0". The leucine amino acid residue is found in multiple mammalian species, which suggests that this missense change does not adversely affect protein function. In summary, the available evidence is currently insufficient to determine the role of this variant in disease. Therefore, it has been classified as a Variant of Uncertain Significance.